The following is an entry in ClinVar:

ClinVar aggregate classification (germline): Likely benign. Review status: criteria provided, multiple submitters, no conflicts (2 of 4 stars). 3 submissions from 3 submitters: Likely benign (2). 1 of the submissions does not count toward it. Last evaluated 2026-02-03.

Conditions:
Chuvash polycythemia. Also called: POLYCYTHEMIA, VHL-DEPENDENT. Identifiers: Orphanet 238557, MedGen C1837915, MONDO:0009892, OMIM 263400.
Von Hippel-Lindau syndrome (VHLS). Also called: von Hippel–Lindau syndrome; Von Hippel-Lindau; VHL syndrome. Identifiers: Orphanet 892, MedGen C0019562, MONDO:0008667, OMIM 193300. Disease mechanism: loss of function.
VHL-related disorder. Also called: VHL-related condition.

Allele frequency attached by ClinVar (database versions not stated): TOPMed 0.00034; gnomAD 0.00035 and 0.00037; 1000 Genomes Project 30x 0.00047.

Submissions (3):

Labcorp Genetics (formerly Invitae), Labcorp
Classification: Likely benign for Von Hippel-Lindau syndrome; Chuvash polycythemia. Last evaluated: 2026-02-03. Review status: criteria provided, single submitter. Criteria: Invitae Variant Classification Sherloc (09022015). Collection method: clinical testing. Allele origin: germline.

Genomic Medicine Center of Excellence, King Faisal Specialist Hospital and Research Centre
Classification: Likely benign for Chuvash polycythemia. Last evaluated: 2024-12-18. Review status: criteria provided, single submitter. Criteria: ACMG Guidelines, 2015. Collection method: clinical testing. Allele origin: germline.

PreventionGenetics, part of Exact Sciences
Classification: Likely benign for VHL-related condition. Last evaluated: 2022-07-20. Review status: no assertion criteria provided. Collection method: clinical testing. Allele origin: germline. Not counted in ClinVar's aggregate classification.
Comment: This variant is classified as likely benign based on ACMG/AMP sequence variant interpretation guidelines (Richards et al. 2015 PMID: 25741868, with internal and published modifications).

NM_000551.4(VHL):c.340+686_340+687del

Genes: VHL (von Hippel-Lindau tumor suppressor; plus strand), LOC107303340 (3p25 von Hippel-Lindau tumor suppressor, E3 ubiquitin protein ligase Alu-mediated recombination region; plus strand). Cytogenetic location: 3p25.3.
Variant type: Deletion.
Coding change: c.340+686_340+687del on transcript NM_000551.4 (MANE Select); bases 686 to 687 of the intron after coding-DNA position 340, 2 bases deleted (GG; older notation c.340+686_340+687delGG).
Molecular consequence: intron variant. On other transcripts: frameshift variant (1).
Genome position (GRCh38, 1-based): chr3:10,142,873-10,142,874, GG deleted. VCF-style (leftmost placement, unchanged base first): chr3-10142872-TGG-T. GRCh37 (hg19) VCF-style: chr3-10184556-TGG-T.
Other names: c.451_452delGG (NM_001354723.1); c.451_452del, p.Gly151fs (NM_001354723.2); c.340+686_340+687del (NM_198156.3); short protein forms G151fs.
Identifiers: ClinVar variation 1141392 (VCV001141392.12), dbSNP rs944477902, ClinGen allele CA70046739.